The following is an entry in ClinVar:

ClinVar aggregate classification (germline): Pathogenic. Review status: reviewed by expert panel (3 of 4 stars). 15 submissions from 15 submitters: Pathogenic (1). 14 of the submissions do not count toward it. Last evaluated 2016-09-08.

Conditions:
Hereditary cancer-predisposing syndrome. Also called: Hereditary neoplastic syndrome; Neoplastic Syndromes, Hereditary; Tumor predisposition; Hereditary Cancer Syndrome. Identifiers: Orphanet 140162, MedGen C0027672, MeSH D009386, MONDO:0015356.
Hereditary breast ovarian cancer syndrome. Also called: Breast and ovarian cancer; BRCA1- and BRCA2-Associated Hereditary Breast and Ovarian Cancer; Hereditary breast and/or ovarian cancer syndrome; Hereditary breast and ovarian cancer; Hereditary breast and ovarian cancer syndrome; Hereditary breast and ovarian cancer syndrome (HBOC). Identifiers: Orphanet 145, MedGen C0677776, MeSH D061325, MONDO:0003582. Disease mechanism: loss of function.
Breast-ovarian cancer, familial, susceptibility to, 2 (BROVCA2). Also called: BRCA2 Hereditary Breast and Ovarian Cancer. Identifiers: Orphanet 145, MedGen C2675520, MONDO:0012933, OMIM 612555. Disease mechanism: loss of function.
Familial cancer of breast. Also called: Hereditary breast cancer; BREAST CANCER, FAMILIAL; hereditary breast carcinoma. Identifiers: Orphanet 227535, MedGen C0346153, MONDO:0016419, OMIM 114480. Disease mechanism: loss of function.

Submissions (15):

Evidence-based Network for the Interpretation of Germline Mutant Alleles (ENIGMA)
Classification: Pathogenic for Breast-ovarian cancer, familial, susceptibility to, 2. Last evaluated: 2016-09-08. Review status: reviewed by expert panel. Criteria: ENIGMA BRCA1/2 Classification Criteria (2015). Collection method: curation. Allele origin: germline.
Comment: Variant allele predicted to encode a truncated non-functional protein.

Labcorp Genetics (formerly Invitae), Labcorp
Classification: Pathogenic for Hereditary breast ovarian cancer syndrome. Last evaluated: 2026-01-26. Review status: criteria provided, single submitter. Criteria: Invitae Variant Classification Sherloc (09022015). Collection method: clinical testing. Allele origin: germline. Not counted in ClinVar's aggregate classification.
Comment: This sequence change creates a premature translational stop signal (p.Asn136Ilefs*16) in the BRCA2 gene. It is expected to result in an absent or disrupted protein product. Loss-of-function variants in BRCA2 are known to be pathogenic (PMID: 20104584). This variant is not present in population databases (gnomAD no frequency). This variant has not been reported in the literature in individuals affected with BRCA2-related conditions. ClinVar contains an entry for this variant (Variation ID: 37876). For these reasons, this variant has been classified as Pathogenic.

Ambry Genetics
Classification: Pathogenic for Hereditary cancer-predisposing syndrome. Last evaluated: 2025-04-28. Review status: criteria provided, single submitter. Criteria: Ambry Variant Classification Scheme 2023. Collection method: clinical testing. Allele origin: germline. Not counted in ClinVar's aggregate classification.
Comment: The c.407delA pathogenic mutation, located in coding exon 3 of the BRCA2 gene, results from a deletion of one nucleotide at nucleotide position 407, causing a translational frameshift with a predicted alternate stop codon (p.N136Ifs*16). In a large, clinic-based BRCA1/2 testing cohort in Norway, this variant was detected in one family (Heramb C et al. Hered Cancer Clin Pract. 2018 Jan;16:3). In addition to the clinical data presented in the literature, this alteration is expected to result in loss of function by premature protein truncation or nonsense-mediated mRNA decay. As such, this alteration is interpreted as a disease-causing mutation.

Quest Diagnostics Nichols Institute San Juan Capistrano
Classification: Pathogenic. Last evaluated: 2024-09-04. Review status: criteria provided, single submitter. Criteria: Quest Diagnostics criteria. Collection method: clinical testing. Allele origin: unknown. Not counted in ClinVar's aggregate classification.
Comment: The BRCA2 c.407del (p.Asn136Ilefs*16) variant alters the translational reading frame of the BRCA2 mRNA and causes the premature termination of BRCA2 protein synthesis. This variant has been reported in the published literature in an individual affected with breast cancer whose tumor showed loss of heterozygosity (LOH) (PMID: 26556299 (2016)). It was also briefly reported in other individuals/families (PMIDs: 29339979 (2018), 32614418 (2020)). Functional studies indicate that this variant does not produce full length transcript and produces only alternative isoforms with residual activity (PMIDs: 28765325 (2017), 32393813 (2020)). This variant has not been reported in large, multi-ethnic general populations (Genome Aggregation Database). Based on the available information, this variant is classified as pathogenic.

Baylor Genetics
Classification: Pathogenic for Familial cancer of breast. Last evaluated: 2023-06-30. Review status: criteria provided, single submitter. Criteria: ACMG Guidelines, 2015. Collection method: clinical testing. Allele origin: unknown. Not counted in ClinVar's aggregate classification.

GeneDx
Classification: Pathogenic. Last evaluated: 2023-04-25. Review status: criteria provided, single submitter. Criteria: GeneDx Variant Classification Process June 2021. Collection method: clinical testing. Allele origin: germline. Affected: yes. Not counted in ClinVar's aggregate classification.
Comment: Frameshift variant predicted to result in protein truncation or nonsense mediated decay in a gene for which loss-of-function is a known mechanism of disease; Observed in individuals with a personal or family history consistent with pathogenic variants in this gene (Schrader et al., 2016; Mutter et al., 2017; Frugtniet et al., 2022); Published functional studies demonstrate a damaging effect: failed to rescue susceptibility to DNA damaging agents (Stauffer et al., 2020); Not observed at significant frequency in large population cohorts (gnomAD); Truncating variants in this gene are considered pathogenic by a well-established clinical consortium and/or database; Also known as 635delA; This variant is associated with the following publications: (PMID: 28299801, 29339979, 29446198, 28765325, 26556299, 30787465, 31948886, 32393813, 28888541, 34657373)

Revvity Omics, Revvity
Classification: Pathogenic. Last evaluated: 2022-12-07. Review status: criteria provided, single submitter. Criteria: ACMG Guidelines, 2015. Collection method: clinical testing. Allele origin: germline. Not counted in ClinVar's aggregate classification.

Color Diagnostics, LLC DBA Color Health
Classification: Pathogenic for Hereditary cancer-predisposing syndrome. Last evaluated: 2022-03-17. Review status: criteria provided, single submitter. Criteria: ACMG Guidelines, 2015. Collection method: clinical testing. Allele origin: germline. Not counted in ClinVar's aggregate classification.
Comment: This variant deletes 1 nucleotide in exon 4 of the BRCA2 gene, creating a frameshift and premature translation stop signal. This variant is expected to result in an absent or non-functional protein product. This variant has been reported in 3 individuals affected with breast cancer (PMID: 26556299, 28765325, 33471991; Leiden Open Variation Database DB-ID BRCA2_004046) and has been identified in 7 families among the CIMBA participants (PMID: 29446198). This variant has not been identified in the general population by the Genome Aggregation Database (gnomAD). Loss of BRCA2 function is a known mechanism of disease. Based on the available evidence, this variant is classified as Pathogenic.

Women's Health and Genetics/Laboratory Corporation of America, LabCorp
Classification: Pathogenic for Hereditary breast and ovarian cancer syndrome. Last evaluated: 2020-11-12. Review status: criteria provided, single submitter. Criteria: LabCorp Variant Classification Summary - May 2015. Collection method: clinical testing. Allele origin: germline. Not counted in ClinVar's aggregate classification.
Comment: Variant summary: BRCA2 c.407delA (p.Asn136IlefsX16) results in a premature termination codon, predicted to cause a truncation of the encoded protein or absence of the protein due to nonsense mediated decay, which are commonly known mechanisms for disease. Truncations downstream of this position have been classified as pathogenic by our laboratory. The variant was absent in 250874 control chromosomes (gnomAD). c.407delA has been reported in the literature in multiple individuals affected with Hereditary Breast And Ovarian Cancer Syndrome (Schrader_2016, Mutter_2017, Weigelt_2017, Heramb_2018, Rebbeck_2018, BIC_database). These data indicate that the variant is very likely to be associated with disease. At least one publication reports experimental evidence evaluating an impact on protein function, demonstrating truncated/absent protein and loss of interaction with PALB2 and RAD51 (Weigelt_2017). Nine ClinVar submitters (evaluation after 2014) cite the variant as pathogenic, including one expert panel (ENIGMA). Based on the evidence outlined above, the variant was classified as pathogenic.

Molecular Genetics Laboratory, University of Michigan
Classification: Pathogenic for Breast-ovarian cancer, familial, susceptibility to, 2. Last evaluated: 2016-04-21. Review status: criteria provided, single submitter. Criteria: ACMG Guidelines, 2015. Collection method: clinical testing. Allele origin: germline. Affected: yes. Not counted in ClinVar's aggregate classification.

Consortium of Investigators of Modifiers of BRCA1/2 (CIMBA), c/o University of Cambridge
Classification: Pathogenic for Breast-ovarian cancer, familial, susceptibility to, 2. Last evaluated: 2015-10-02. Review status: criteria provided, single submitter. Criteria: CIMBA Mutation Classification guidelines May 2016. Collection method: clinical testing. Allele origin: germline. Not counted in ClinVar's aggregate classification.

Department of Medical Genetics, Oslo University Hospital
Classification: Pathogenic for Breast-ovarian cancer, familial, susceptibility to, 2. Last evaluated: 2015-07-01. Review status: criteria provided, single submitter. Criteria: ACMG Guidelines, 2015. Collection method: clinical testing. Allele origin: germline. Affected: yes. Observed: 1 variant allele. Not counted in ClinVar's aggregate classification.

Research Molecular Genetics Laboratory, Women's College Hospital, University of Toronto
Classification: Pathogenic for Hereditary breast ovarian cancer syndrome. Last evaluated: 2014-01-31. Review status: no assertion criteria provided. Collection method: research. Allele origin: germline. Affected: yes. Study: The Canadian Open Genetics Repository (COGR). Not counted in ClinVar's aggregate classification.

Sharing Clinical Reports Project (SCRP)
Classification: Pathogenic for Breast-ovarian cancer, familial 2. Last evaluated: 2012-04-12. Review status: no assertion criteria provided. Collection method: clinical testing. Allele origin: germline. Not counted in ClinVar's aggregate classification.

Breast Cancer Information Core (BIC) (BRCA2)
Classification: Pathogenic for Breast-ovarian cancer, familial 2. Last evaluated: 2004-02-20. Review status: no assertion criteria provided. Collection method: clinical testing. Allele origin: germline. Affected: yes. Observed: 14 variant alleles. Not counted in ClinVar's aggregate classification.

Literature cited by the submitters: PubMed 20104584 (cited by Labcorp Genetics (formerly Invitae), Labcorp); PubMed 28299801 (cited by Ambry Genetics and Women's Health and Genetics/Laboratory Corporation of America, LabCorp); PubMed 29339979 (cited by 3 submitters); PubMed 26556299 (cited by 3 submitters); PubMed 28765325 (cited by 3 submitters); PubMed 32614418 (cited by Quest Diagnostics Nichols Institute San Juan Capistrano); PubMed 32393813 (cited by Quest Diagnostics Nichols Institute San Juan Capistrano); PubMed 26295337 (cited by Quest Diagnostics Nichols Institute San Juan Capistrano); PubMed 29446198 (cited by Color Diagnostics, LLC DBA Color Health and Women's Health and Genetics/Laboratory Corporation of America, LabCorp); PubMed 33471991 (cited by Color Diagnostics, LLC DBA Color Health).

NM_000059.4(BRCA2):c.407del (p.Asn136fs)

Gene: BRCA2 (BRCA2 DNA repair associated; plus strand). Cytogenetic location: 13q13.1.
Variant type: Deletion.
Coding change: c.407del on transcript NM_000059.4 (MANE Select); coding-DNA position 407, one base deleted (A; older notation c.407delA).
Protein change: p.Asn136fs; shifts the reading frame from asparagine 136.
Molecular consequence: frameshift variant.
Genome position (GRCh38, 1-based): chr13:32,325,166, A deleted; the last of 3 consecutive A bases (chr13:32,325,164-32,325,166); deleting any one gives the same sequence. VCF-style (leftmost placement, unchanged base first): chr13-32325163-TA-T. GRCh37 (hg19) VCF-style: chr13-32899300-TA-T.
Other names: 635delA; c.407delA (NM_000059.3).
Identifiers: ClinVar variation 37876 (VCV000037876.37), dbSNP rs80359425, ClinGen allele CA019481.
Genomic context (GRCh38, chr13:32,325,163, plus strand): 5'-AAAGTCTTCGCACAGTGAAAACTAAAATGGATCAAGCAGATGATGTTTCCTGTCCACTTC[TA>T]AATTCTTGTCTTAGTGAAAGGTATGATGAAGCTATTATATTAAAATATTTAAATGAAACA-3'